The following is an entry in ClinVar:

NM_002156.5(HSPD1):c.1175A>G (p.Glu392Gly)

Gene: HSPD1 (heat shock protein family D (Hsp60) member 1; minus strand). Cytogenetic location: 2q33.1.
Variant type: single nucleotide variant.
Coding change: c.1175A>G on transcript NM_002156.5 (MANE Select); coding-DNA position 1175, A replaced by G.
Protein change: p.Glu392Gly; replaces glutamic acid 392 with glycine.
Molecular consequence: missense variant.
Genome position (GRCh38, 1-based): chr2:197,489,042, T>C on the plus strand (A>G on the coding strand, the complement: HSPD1 is on the minus strand). VCF-style: chr2-197489042-T-C. GRCh37 (hg19) VCF-style: chr2-198353766-T-C.
Other names: c.1175A>G, p.Glu392Gly (NM_199440.2); short protein forms E392G.
Identifiers: ClinVar variation 1962148 (VCV001962148.5), dbSNP rs757141779, ClinGen allele CA2043418.

ClinVar aggregate classification (germline): Uncertain significance (1 of 4 stars; one submission).

Conditions:
Spastic paraplegia. Identifiers: MedGen C0037772, HP:0001258.

Allele frequency attached by ClinVar (database versions not stated): ExAC 0.00001; TOPMed 0.00001.

Submission:

Labcorp Genetics (formerly Invitae), Labcorp
Classification: Uncertain significance for Spastic paraplegia. Last evaluated: 2022-10-24. Review status: criteria provided, single submitter. Criteria: Invitae Variant Classification Sherloc (09022015). Collection method: clinical testing. Allele origin: germline.
Comment: This sequence change replaces glutamic acid, which is acidic and polar, with glycine, which is neutral and non-polar, at codon 392 of the HSPD1 protein (p.Glu392Gly). This variant is present in population databases (rs757141779, gnomAD 0.003%). This variant has not been reported in the literature in individuals affected with HSPD1-related conditions. Advanced modeling of protein sequence and biophysical properties (such as structural, functional, and spatial information, amino acid conservation, physicochemical variation, residue mobility, and thermodynamic stability) has been performed at Invitae for this missense variant, however the output from this modeling did not meet the statistical confidence thresholds required to predict the impact of this variant on HSPD1 protein function. In summary, the available evidence is currently insufficient to determine the role of this variant in disease. Therefore, it has been classified as a Variant of Uncertain Significance.